The following is an entry in ClinVar:

NM_032861.4(SERAC1):c.310A>T (p.Lys104Ter)

Gene: SERAC1 (serine active site containing 1; minus strand). Cytogenetic location: 6q25.3.
Variant type: single nucleotide variant.
Coding change: c.310A>T on transcript NM_032861.4 (MANE Select); coding-DNA position 310, A replaced by T.
Protein change: p.Lys104Ter; replaces lysine 104 with a stop codon.
Molecular consequence: nonsense. On other transcripts: non-coding transcript variant (1).
Genome position (GRCh38, 1-based): chr6:158,148,910, T>A on the plus strand (A>T on the coding strand, the complement: SERAC1 is on the minus strand). VCF-style: chr6-158148910-T-A. GRCh37 (hg19) VCF-style: chr6-158569942-T-A.
Other names: short protein forms K104*.
Identifiers: ClinVar variation 2136486 (VCV002136486.4), dbSNP rs1785136884, ClinGen allele CA366266150.
Genomic context (GRCh38, chr6:158,148,910, plus strand): 5'-ATAGTGGATATTTACCAGCAAATGGATTCCGCAGTATCTTGGCTGATGTTGCCAATACTT[T>A]TCTTACTGCTTTGTGAAGTTCTTTTCTTGCCTGCCAGGCAATACCTAAAATGATTATAAA-3'

ClinVar aggregate classification (germline): Pathogenic (1 of 4 stars; one submission).

Conditions:
3-methylglutaconic aciduria with deafness, encephalopathy, and Leigh-like syndrome (MEGDEL). Also called: 3-METHYLGLUTACONIC ACIDURIA, TYPE VI; SERAC1 Deficiency; MEGDEL syndrome. Identifiers: Orphanet 352328, MedGen C4040739, MONDO:0013875, OMIM 614739.

Submission:

Labcorp Genetics (formerly Invitae), Labcorp
Classification: Pathogenic for 3-methylglutaconic aciduria with deafness, encephalopathy, and Leigh-like syndrome. Last evaluated: 2022-05-21. Review status: criteria provided, single submitter. Criteria: Invitae Variant Classification Sherloc (09022015). Collection method: clinical testing. Allele origin: germline.
Comment: This variant is not present in population databases (gnomAD no frequency). This premature translational stop signal has been observed in individual(s) with 3-Methylglutaconic aciduria, dystonia–deafness, hepatopathy, encephalopathy, Leigh-like syndrome (MEGDHEL) syndrome (PMID: 29205472). For these reasons, this variant has been classified as Pathogenic. This sequence change creates a premature translational stop signal (p.Lys104*) in the SERAC1 gene. It is expected to result in an absent or disrupted protein product. Loss-of-function variants in SERAC1 are known to be pathogenic (PMID: 22683713).

Literature cited by the submitters: PubMed 29205472; PubMed 22683713.